The following is an entry in ClinVar:

NM_001204077.2(UBE4A):c.918G>A (p.Met306Ile)

Gene: UBE4A (ubiquitination factor E4A; plus strand). Cytogenetic location: 11q23.3.
Variant type: single nucleotide variant.
Coding change: c.918G>A on transcript NM_001204077.2 (MANE Select); coding-DNA position 918, G replaced by A.
Protein change: p.Met306Ile; replaces methionine 306 with isoleucine.
Molecular consequence: missense variant.
Genome position (GRCh38, 1-based): chr11:118,373,282, G>A. VCF-style: chr11-118373282-G-A. GRCh37 (hg19) VCF-style: chr11-118243997-G-A.
Other names: c.939G>A, p.Met313Ile (NM_004788.4); short protein forms M313I, M306I.
Identifiers: ClinVar variation 2335613 (VCV002335613.4), dbSNP rs367923306, ClinGen allele CA6302465.

ClinVar aggregate classification (germline): Uncertain significance. Review status: criteria provided, multiple submitters, no conflicts (2 of 4 stars). 2 submissions from 2 submitters: Uncertain significance (2). Last evaluated 2025-12-23.

Conditions:
Inborn genetic diseases. Identifiers: MedGen C0950123, MeSH D030342.

Allele frequency attached by ClinVar (database versions not stated): gnomAD exomes 0.00001; ExAC 0.00002; ESP Exome Variant Server 0.00008; gnomAD 0.00011; TOPMed 0.00011.

Submissions (2):

GeneDx
Classification: Uncertain significance. Last evaluated: 2025-12-23. Review status: criteria provided, single submitter. Criteria: GeneDx Variant Classification Process June 2021. Collection method: clinical testing. Allele origin: germline.
Comment: In silico analysis indicates that this missense variant does not alter protein structure/function; Has not been previously published as pathogenic or benign to our knowledge

Ambry Genetics
Classification: Uncertain significance for Inborn genetic diseases. Last evaluated: 2022-08-02. Review status: criteria provided, single submitter. Criteria: Ambry Variant Classification Scheme 2023. Collection method: clinical testing. Allele origin: germline.